The following is an entry in ClinVar:

NM_021784.5(FOXA2):c.829G>A (p.Gly277Ser)

Gene: FOXA2 (forkhead box A2; minus strand). Cytogenetic location: 20p11.21.
Variant type: single nucleotide variant.
Coding change: c.829G>A on transcript NM_021784.5 (MANE Select); coding-DNA position 829, G replaced by A.
Protein change: p.Gly277Ser; replaces glycine 277 with serine.
Molecular consequence: missense variant.
Genome position (GRCh38, 1-based): chr20:22,582,413, C>T on the plus strand (G>A on the coding strand, the complement: FOXA2 is on the minus strand). VCF-style: chr20-22582413-C-T. GRCh37 (hg19) VCF-style: chr20-22563051-C-T.
Other names: c.811G>A, p.Gly271Ser (NM_153675.3); short protein forms G271S, G277S.
Identifiers: ClinVar variation 1710896 (VCV001710896.2), dbSNP rs756389581, ClinGen allele CA408501655.

ClinVar aggregate classification (germline): Uncertain significance (1 of 4 stars; one submission).

Allele frequency attached by ClinVar (database versions not stated): gnomAD exomes below 0.00001; TOPMed below 0.00001; gnomAD 0.00001.
gnomAD v4.1: 4 of 1,571,370 alleles (0.00025%); highest among the groups gnomAD compares: African/African-American, 0.0014%; no homozygotes.

Submission:

GeneDx
Classification: Uncertain significance. Last evaluated: 2022-04-12. Review status: criteria provided, single submitter. Criteria: GeneDx Variant Classification Process June 2021. Collection method: clinical testing. Allele origin: germline. Affected: yes.
Comment: In silico analysis supports that this missense variant does not alter protein structure/function; Has not been previously published as pathogenic or benign to our knowledge